The following is an entry in ClinVar:

NM_032043.3(BRIP1):c.913A>T (p.Lys305Ter)

Gene: BRIP1 (BRCA1 interacting DNA helicase 1; minus strand). Cytogenetic location: 17q23.2.
Variant type: single nucleotide variant.
Coding change: c.913A>T on transcript NM_032043.3 (MANE Select); coding-DNA position 913, A replaced by T.
Protein change: p.Lys305Ter; replaces lysine 305 with a stop codon.
Molecular consequence: nonsense.
Genome position (GRCh38, 1-based): chr17:61,808,472, T>A on the plus strand (A>T on the coding strand, the complement: BRIP1 is on the minus strand). VCF-style: chr17-61808472-T-A. GRCh37 (hg19) VCF-style: chr17-59885833-T-A.
Other names: short protein forms K305*.
Identifiers: ClinVar variation 4819151 (VCV004819151.1).

ClinVar aggregate classification (germline): Likely pathogenic (1 of 4 stars; one submission).

Conditions:
Familial cancer of breast. Also called: hereditary breast carcinoma; BREAST CANCER, FAMILIAL; Hereditary breast cancer. Identifiers: Orphanet 227535, MedGen C0346153, MONDO:0016419, OMIM 114480. Disease mechanism: loss of function.

Submission:

Institute of Human Genetics, University of Leipzig Medical Center
Classification: Likely pathogenic for Familial cancer of breast. Last evaluated: 2026-02-16. Review status: criteria provided, single submitter. Criteria: ACMG Guidelines, 2015. Collection method: clinical testing. Allele origin: unknown. Inheritance: Autosomal dominant inheritance. Affected: yes.
Comment: Criteria applied: PVS1,PM2_SUP